The following is an entry in ClinVar:

ClinVar aggregate classification (germline): Uncertain significance. Review status: criteria provided, multiple submitters, no conflicts (2 of 4 stars). 3 submissions from 3 submitters: Uncertain significance (3). Last evaluated 2025-12-16.

Conditions:
Arginine:glycine amidinotransferase deficiency (CCDS3). Also called: Creatine deficiency syndrome due to AGAT deficiency; GATM deficiency; AGAT deficiency; L-Arginine:Glycine Amidinotransferase Deficiency; Cerebral creatine deficiency syndrome 3; L-Arginine:Glycine Amidinotransferase (AGAT) Deficiency. Identifiers: Orphanet 35704, MedGen C2675179, MONDO:0012996, OMIM 612718.
Fanconi renotubular syndrome 1. Also called: FRTS1; Toni-Debre-Fanconi syndrome; Neonatal De Toni-Debre-Fanconi syndrome; De Toni-Fanconi syndrome; LUDER-SHELDON SYNDROME. Identifiers: MedGen C4551503, MONDO:0024525, OMIM 134600.

Allele frequency attached by ClinVar (database versions not stated): gnomAD exomes 0.00003 and 0.00002; TOPMed 0.00003; ExAC 0.00002; gnomAD 0.00002.
gnomAD v4.1: 47 of 1,613,538 alleles (0.0029%); highest among the groups gnomAD compares: Non-Finnish European, 0.0038%; no homozygotes.

Submissions (3):

Labcorp Genetics (formerly Invitae), Labcorp
Classification: Uncertain significance for Arginine:glycine amidinotransferase deficiency. Last evaluated: 2025-12-16. Review status: criteria provided, single submitter. Criteria: Invitae Variant Classification Sherloc (09022015). Collection method: clinical testing. Allele origin: germline.
Comment: This sequence change replaces serine, which is neutral and polar, with asparagine, which is neutral and polar, at codon 165 of the GATM protein (p.Ser165Asn). This variant is present in population databases (rs780398292, gnomAD 0.005%). This variant has not been reported in the literature in individuals affected with GATM-related conditions. ClinVar contains an entry for this variant (Variation ID: 888467). Invitae Evidence Modeling of protein sequence and biophysical properties (such as structural, functional, and spatial information, amino acid conservation, physicochemical variation, residue mobility, and thermodynamic stability) indicates that this missense variant is not expected to disrupt GATM protein function with a negative predictive value of 95%. In summary, the available evidence is currently insufficient to determine the role of this variant in disease. Therefore, it has been classified as a Variant of Uncertain Significance.

Fulgent Genetics
Classification: Uncertain significance for Fanconi renotubular syndrome 1; Arginine:glycine amidinotransferase deficiency. Last evaluated: 2022-04-22. Review status: criteria provided, single submitter. Criteria: ACMG Guidelines, 2015. Collection method: clinical testing. Allele origin: unknown.

Illumina Laboratory Services, Illumina
Classification: Uncertain significance for Arginine:glycine amidinotransferase deficiency. Last evaluated: 2018-01-13. Review status: criteria provided, single submitter. Criteria: ICSL Variant Classification Criteria 13 December 2019. Collection method: clinical testing. Allele origin: germline.

NM_001482.3(GATM):c.494G>A (p.Ser165Asn)

Gene: GATM (glycine amidinotransferase; minus strand). Cytogenetic location: 15q21.1.
Variant type: single nucleotide variant.
Coding change: c.494G>A on transcript NM_001482.3 (MANE Select); coding-DNA position 494, G replaced by A.
Protein change: p.Ser165Asn; replaces serine 165 with asparagine.
Molecular consequence: missense variant.
Genome position (GRCh38, 1-based): chr15:45,368,251, C>T on the plus strand (G>A on the coding strand, the complement: GATM is on the minus strand). VCF-style: chr15-45368251-C-T. GRCh37 (hg19) VCF-style: chr15-45660449-C-T.
Other names: c.107G>A, p.Ser36Asn (NM_001321015.2); short protein forms S165N, S36N.
Identifiers: ClinVar variation 888467 (VCV000888467.8), dbSNP rs780398292, ClinGen allele CA7542906.